The following is an entry in ClinVar:

NM_002047.4(GARS1):c.1904-3T>A

Gene: GARS1 (glycyl-tRNA synthetase 1; plus strand). Cytogenetic location: 7p14.3.
Variant type: single nucleotide variant.
Coding change: c.1904-3T>A on transcript NM_002047.4 (MANE Select); 3 bases into the intron before coding-DNA position 1904, T replaced by A.
Molecular consequence: intron variant.
Genome position (GRCh38, 1-based): chr7:30,632,244, T>A. VCF-style: chr7-30632244-T-A. GRCh37 (hg19) VCF-style: chr7-30671860-T-A.
Other names: c.1742-3T>A (NM_001316772.1).
Identifiers: ClinVar variation 856591 (VCV000856591.9), dbSNP rs775575408, ClinGen allele CA4206120.
Genomic context (GRCh38, chr7:30,632,244, plus strand): 5'-TTAGATAACACTGGGCTTAACTCCATTGTTTTATTTTTAATTTACTTTGTTTATTTTGGA[T>A]AGCGGAAGCCCTGACCAGGCATGGAGTATCTCACAAAGTAGACGATTCCTCTGGGTCAAT-3'

ClinVar aggregate classification (germline): Uncertain significance (1 of 4 stars; one submission).

Conditions:
Charcot-Marie-Tooth disease type 2. Also called: Charcot-Marie-Tooth type 2. Identifiers: Orphanet 64746, MedGen C0270914, MONDO:0018993.

Allele frequency attached by ClinVar (database versions not stated): gnomAD exomes below 0.00001; TOPMed below 0.00001; ExAC 0.00001; gnomAD 0.00001.

Submission:

Labcorp Genetics (formerly Invitae), Labcorp
Classification: Uncertain significance for Charcot-Marie-Tooth disease type 2. Last evaluated: 2023-07-19. Review status: criteria provided, single submitter. Criteria: Invitae Variant Classification Sherloc (09022015). Collection method: clinical testing. Allele origin: germline.
Comment: This sequence change falls in intron 15 of the GARS gene. It does not directly change the encoded amino acid sequence of the GARS protein. It affects a nucleotide within the consensus splice site. This variant is present in population databases (rs775575408, gnomAD 0.006%). This variant has not been reported in the literature in individuals affected with GARS-related conditions. ClinVar contains an entry for this variant (Variation ID: 856591). Variants that disrupt the consensus splice site are a relatively common cause of aberrant splicing (PMID: 17576681, 9536098). Algorithms developed to predict the effect of sequence changes on RNA splicing suggest that this variant may create or strengthen a splice site. In summary, the available evidence is currently insufficient to determine the role of this variant in disease. Therefore, it has been classified as a Variant of Uncertain Significance.

Literature cited by the submitters: PubMed 17576681; PubMed 9536098.